The following is an entry in ClinVar:

ClinVar aggregate classification (germline): Uncertain significance. Review status: criteria provided, multiple submitters, no conflicts (2 of 4 stars). 2 submissions from 2 submitters: Uncertain significance (2). Last evaluated 2025-08-20.

Conditions:
Inborn genetic diseases. Identifiers: MedGen C0950123, MeSH D030342.

Submissions (2):

Ambry Genetics
Classification: Uncertain significance for Inborn genetic diseases. Last evaluated: 2025-08-20. Review status: criteria provided, single submitter. Criteria: Ambry Variant Classification Scheme 2023. Collection method: clinical testing. Allele origin: germline.

Labcorp Genetics (formerly Invitae), Labcorp
Classification: Uncertain significance. Last evaluated: 2025-07-19. Review status: criteria provided, single submitter. Criteria: Invitae Variant Classification Sherloc (09022015). Collection method: clinical testing. Allele origin: germline.
Comment: This sequence change replaces threonine, which is neutral and polar, with arginine, which is basic and polar, at codon 164 of the MBD4 protein (p.Thr164Arg). This variant is not present in population databases (gnomAD no frequency). This variant has not been reported in the literature in individuals affected with MBD4-related conditions. ClinVar contains an entry for this variant (Variation ID: 3677433). An algorithm developed to predict the effect of missense changes on protein structure and function (PolyPhen-2) suggests that this variant is likely to be disruptive. In summary, the available evidence is currently insufficient to determine the role of this variant in disease. Therefore, it has been classified as a Variant of Uncertain Significance.

NM_001276270.2(MBD4):c.491C>G (p.Thr164Arg)

Gene: MBD4 (methyl-CpG binding domain 4, DNA glycosylase; minus strand). Cytogenetic location: 3q21.3.
Variant type: single nucleotide variant.
Coding change: c.491C>G on transcript NM_001276270.2 (MANE Select); coding-DNA position 491, C replaced by G.
Protein change: p.Thr164Arg; replaces threonine 164 with arginine.
Molecular consequence: missense variant. On other transcripts: intron variant (1).
Genome position (GRCh38, 1-based): chr3:129,437,153, G>C on the plus strand (C>G on the coding strand, the complement: MBD4 is on the minus strand). VCF-style: chr3-129437153-G-C. GRCh37 (hg19) VCF-style: chr3-129155996-G-C.
Other names: c.491C>G, p.Thr164Arg (NM_001276271.2, NM_001276272.2, NM_003925.3); c.247+655C>G (NM_001276273.2); short protein forms T164R.
Identifiers: ClinVar variation 3677433 (VCV003677433.4).